The following is an entry in ClinVar:

ClinVar aggregate classification (germline): Uncertain significance (1 of 4 stars; one submission).

Submission:

GeneDx
Classification: Uncertain significance. Last evaluated: 2023-07-30. Review status: criteria provided, single submitter. Criteria: GeneDx Variant Classification Process June 2021. Collection method: clinical testing. Allele origin: germline. Affected: yes.
Comment: Not observed at significant frequency in large population cohorts (gnomAD); Has not been previously published as pathogenic or benign to our knowledge; Nonsense variant predicted to result in protein truncation as the last 131 amino acids are lost in a gene for which loss-of-function is not an established mechanism of disease

NM_020795.4(NLGN2):c.2113C>T (p.Gln705Ter)

Gene: NLGN2 (neuroligin 2; plus strand). Cytogenetic location: 17p13.1.
Variant type: single nucleotide variant.
Coding change: c.2113C>T on transcript NM_020795.4 (MANE Select); coding-DNA position 2113, C replaced by T.
Protein change: p.Gln705Ter; replaces glutamine 705 with a stop codon.
Molecular consequence: nonsense.
Genome position (GRCh38, 1-based): chr17:7,417,404, C>T. VCF-style: chr17-7417404-C-T. GRCh37 (hg19) VCF-style: chr17-7320723-C-T.
Other names: short protein forms Q705*.
Identifiers: ClinVar variation 3361511 (VCV003361511.1).